The following is an entry in ClinVar:

ClinVar aggregate classification (germline): Uncertain significance. Review status: criteria provided, multiple submitters, no conflicts (2 of 4 stars). 2 submissions from 2 submitters: Uncertain significance (2). Last evaluated 2025-12-13.

Allele frequency attached by ClinVar (database versions not stated): gnomAD 0.00001; ExAC 0.00002; TOPMed 0.00003.
gnomAD v4.1: 28 of 1,610,334 alleles (0.0017%); highest among the groups gnomAD compares: Middle Eastern, 0.033%; 1 homozygote.

Submissions (2):

Labcorp Genetics (formerly Invitae), Labcorp
Classification: Uncertain significance. Last evaluated: 2025-12-13. Review status: criteria provided, single submitter. Criteria: Invitae Variant Classification Sherloc (09022015). Collection method: clinical testing. Allele origin: germline.
Comment: This sequence change replaces threonine, which is neutral and polar, with methionine, which is neutral and non-polar, at codon 710 of the ARHGEF1 protein (p.Thr710Met). This variant is present in population databases (rs782573860, gnomAD 0.02%). This variant has not been reported in the literature in individuals affected with ARHGEF1-related conditions. ClinVar contains an entry for this variant (Variation ID: 1906358). An algorithm developed to predict the effect of missense changes on protein structure and function (PolyPhen-2) suggests that this variant is likely to be tolerated. In summary, the available evidence is currently insufficient to determine the role of this variant in disease. Therefore, it has been classified as a Variant of Uncertain Significance.

Ambry Genetics
Classification: Uncertain significance. Last evaluated: 2024-10-09. Review status: criteria provided, single submitter. Criteria: Ambry Variant Classification Scheme 2023. Collection method: clinical testing. Allele origin: germline.

NM_004706.4(ARHGEF1):c.2084C>T (p.Thr695Met)

Gene: ARHGEF1 (Rho guanine nucleotide exchange factor 1; plus strand). Cytogenetic location: 19q13.2.
Variant type: single nucleotide variant.
Coding change: c.2084C>T on transcript NM_004706.4 (MANE Select); coding-DNA position 2084, C replaced by T.
Protein change: p.Thr695Met; replaces threonine 695 with methionine.
Molecular consequence: missense variant. On other transcripts: non-coding transcript variant (2).
Genome position (GRCh38, 1-based): chr19:41,904,306, C>T. VCF-style: chr19-41904306-C-T. GRCh37 (hg19) VCF-style: chr19-42408458-C-T.
Other names: c.2252C>T, p.Thr751Met (NM_001396000.1); c.1985C>T, p.Thr662Met (NM_001396002.1, NM_001396004.1, NM_198977.2); c.2084C>T, p.Thr695Met (NM_001396003.1, NM_001396006.1); c.2129C>T, p.Thr710Met (NM_199002.2); c.2129C>T (NM_199002.1); short protein forms T662M, T710M, T695M, T751M.
Identifiers: ClinVar variation 1906358 (VCV001906358.6), dbSNP rs782573860, ClinGen allele CA9466599.